The following is an entry in ClinVar:

NM_133443.4(GPT2):c.1223C>T (p.Ser408Leu)

Gene: GPT2 (glutamic--pyruvic transaminase 2; plus strand). Cytogenetic location: 16q11.2.
Variant type: single nucleotide variant.
Coding change: c.1223C>T on transcript NM_133443.4 (MANE Select); coding-DNA position 1223, C replaced by T.
Protein change: p.Ser408Leu; replaces serine 408 with leucine.
Molecular consequence: missense variant.
Genome position (GRCh38, 1-based): chr16:46,924,399, C>T. VCF-style: chr16-46924399-C-T. GRCh37 (hg19) VCF-style: chr16-46958311-C-T.
Other names: c.923C>T, p.Ser308Leu (NM_001142466.3); short protein forms S308L, S408L.
Identifiers: ClinVar variation 2374032 (VCV002374032.2), dbSNP rs375234729, ClinGen allele CA8038869.
Genomic context (GRCh38, chr16:46,924,399, plus strand): 5'-AATCTTTATCCAGAGATACTGACTGCTGTGCTGTTTCCATCTCTCATCAGGAGAAGGAGT[C>T]GGTCCTGGGTAATCTGGCCAAAAAAGCAAAGCTGACGGAAGACCTGTTTAACCAAGTCCC-3'
Protein context (NP_597700.1, residues 398-418): SFEQFSREKE[Ser408Leu]VLGNLAKKAK

ClinVar aggregate classification (germline): Uncertain significance (1 of 4 stars; one submission).

Conditions:
Inborn genetic diseases. Identifiers: MedGen C0950123, MeSH D030342.

Allele frequency attached by ClinVar (database versions not stated): ExAC 0.00004; TOPMed 0.00005; gnomAD 0.00006; gnomAD exomes 0.00008; ESP Exome Variant Server 0.00015.
gnomAD v4.1: 122 of 1,614,026 alleles (0.0076%); highest among the groups gnomAD compares: Non-Finnish European, 0.0095%; no homozygotes.

Submission:

Ambry Genetics
Classification: Uncertain significance for Inborn genetic diseases. Last evaluated: 2020-12-07. Review status: criteria provided, single submitter. Criteria: Ambry Variant Classification Scheme 2023. Collection method: clinical testing. Allele origin: germline.
Comment: The c.1223C>T (p.S408L) alteration is located in exon 10 (coding exon 9) of the GPT2 gene. This alteration results from a C to T substitution at nucleotide position 1223, causing the serine (S) at amino acid position 408 to be replaced by a leucine (L). The p.S408L alteration is predicted to be tolerated by in silico analysis. Based on insufficient or conflicting evidence, the clinical significance of this alteration remains unclear.